The following is an entry in ClinVar:

NM_001277115.2(DNAH11):c.7374del (p.Lys2459fs)

Gene: DNAH11 (dynein axonemal heavy chain 11; plus strand). Cytogenetic location: 7p15.3.
Variant type: Deletion.
Coding change: c.7374del on transcript NM_001277115.2 (MANE Select); coding-DNA position 7374, one base deleted (T; older notation c.7374delT).
Protein change: p.Lys2459fs; shifts the reading frame from lysine 2459.
Molecular consequence: frameshift variant.
Genome position (GRCh38, 1-based): chr7:21,725,918, T deleted. VCF-style (leftmost placement, unchanged base first): chr7-21725917-CT-C. GRCh37 (hg19) VCF-style: chr7-21765535-CT-C.
Other names: c.7395delT, p.Lys2466Argfs (NM_003777.3); short protein forms K2459fs.
Identifiers: ClinVar variation 2755739 (VCV002755739.3), dbSNP rs2535042738, ClinGen allele CA2697557153.

ClinVar aggregate classification (germline): Pathogenic (1 of 4 stars; one submission).

Conditions:
Primary ciliary dyskinesia. Also called: Ciliary dyskinesia. Identifiers: Orphanet 244, MedGen C0008780, MONDO:0016575, HP:0012265.

Submission:

Labcorp Genetics (formerly Invitae), Labcorp
Classification: Pathogenic for Primary ciliary dyskinesia. Last evaluated: 2023-08-29. Review status: criteria provided, single submitter. Criteria: Invitae Variant Classification Sherloc (09022015). Collection method: clinical testing. Allele origin: germline.
Comment: This variant has not been reported in the literature in individuals affected with DNAH11-related conditions. This variant is not present in population databases (gnomAD no frequency). This sequence change creates a premature translational stop signal (p.Lys2459Argfs*48) in the DNAH11 gene. It is expected to result in an absent or disrupted protein product. Loss-of-function variants in DNAH11 are known to be pathogenic (PMID: 18022865, 20513915, 22184204). For these reasons, this variant has been classified as Pathogenic.

Literature cited by the submitters: PubMed 18022865; PubMed 20513915; PubMed 22184204.